The following is an entry in ClinVar:

ClinVar aggregate classification (germline): Likely benign (1 of 4 stars; one submission).

Submission:

CeGaT Center for Human Genetics Tuebingen
Classification: Likely benign. Last evaluated: 2025-01-01. Review status: criteria provided, single submitter. Criteria: CeGaT Center For Human Genetics Tuebingen Variant Classification Criteria Version 2. Collection method: clinical testing. Allele origin: germline. Affected: yes. Observed: 1 variant allele.
Comment: MCM3AP: PM2:Supporting, BP4, BP7

NM_003906.5(MCM3AP):c.4737G>A (p.Gly1579=)

Genes: MCM3AP (minichromosome maintenance complex component 3 associated protein; minus strand), MCM3AP-AS1 (MCM3AP antisense RNA 1; plus strand). Cytogenetic location: 21q22.3.
Variant type: single nucleotide variant.
Coding change: c.4737G>A on transcript NM_003906.5 (MANE Select); coding-DNA position 4737, G replaced by A.
Protein change: p.Gly1579=; no amino-acid change (glycine 1579 retained).
Molecular consequence: synonymous variant.
Genome position (GRCh38, 1-based): chr21:46,245,108, C>T on the plus strand (G>A on the coding strand, the complement: MCM3AP is on the minus strand). VCF-style: chr21-46245108-C-T. GRCh37 (hg19) VCF-style: chr21-47665022-C-T.
Identifiers: ClinVar variation 3772389 (VCV003772389.13).
Genomic context (GRCh38, chr21:46,245,108, plus strand): 5'-ACCGCCCAGACGCCTCTCTCTTCTGTCATGGAAAAAGCGGCCACTAAACTCATGGCCAAT[C>T]CCGTCTTCGACGTACTGAATGAGAGTCTGGCAGCAGAGGTCAAGGGAATGGGGGCAGTGG-3'
Protein context (NP_003897.2, residues 1569-1589): CQTLIQYVED[Gly1579=]IGHEFSGRFF